The following is an entry in ClinVar:

ClinVar aggregate classification (germline): Conflicting classifications of pathogenicity. Review status: criteria provided, conflicting classifications (1 of 4 stars). 4 submissions from 4 submitters: Uncertain significance (3); Benign (1). Last evaluated 2024-04-15.

Conditions:
Inborn genetic diseases. Identifiers: MedGen C0950123, MeSH D030342.
Congenital stationary night blindness 1F. Also called: Night blindness, congenital stationary (complete), 1F, autosomal recessive. Identifiers: Orphanet 215, MedGen C3554399, MONDO:0014026, OMIM 615058.

Allele frequency attached by ClinVar (database versions not stated): ExAC 0.00014; 1000 Genomes Project 30x 0.00016; 1000 Genomes Project 0.00020; gnomAD 0.00076 and 0.00086; TOPMed 0.00082; ESP Exome Variant Server 0.00085.
gnomAD v4.1: 212 of 1,613,974 alleles (0.013%); highest among the groups gnomAD compares: African/African-American, 0.24%; no homozygotes.

Submissions (4):

Blueprint Genetics
Classification: Benign. Last evaluated: 2024-04-15. Review status: criteria provided, single submitter. Criteria: ACMG Guidelines, 2015. Collection method: clinical testing. Allele origin: germline.

Labcorp Genetics (formerly Invitae), Labcorp
Classification: Uncertain significance. Last evaluated: 2022-10-13. Review status: criteria provided, single submitter. Criteria: Invitae Variant Classification Sherloc (09022015). Collection method: clinical testing. Allele origin: germline.
Comment: This sequence change replaces threonine, which is neutral and polar, with proline, which is neutral and non-polar, at codon 425 of the LRIT3 protein (p.Thr425Pro). This variant is present in population databases (rs138218384, gnomAD 0.2%). This variant has not been reported in the literature in individuals affected with LRIT3-related conditions. ClinVar contains an entry for this variant (Variation ID: 860342). Algorithms developed to predict the effect of missense changes on protein structure and function output the following: SIFT: "Tolerated"; PolyPhen-2: "Benign"; Align-GVGD: "Class C0". The proline amino acid residue is found in multiple mammalian species, which suggests that this missense change does not adversely affect protein function. In summary, the available evidence is currently insufficient to determine the role of this variant in disease. Therefore, it has been classified as a Variant of Uncertain Significance.

Ambry Genetics
Classification: Uncertain significance for Inborn genetic diseases. Last evaluated: 2021-09-01. Review status: criteria provided, single submitter. Criteria: Ambry Variant Classification Scheme 2023. Collection method: clinical testing. Allele origin: germline.

Illumina Laboratory Services, Illumina
Classification: Uncertain significance for Congenital stationary night blindness 1F. Last evaluated: 2018-01-13. Review status: criteria provided, single submitter. Criteria: ICSL Variant Classification Criteria 13 December 2019. Collection method: clinical testing. Allele origin: germline.

NM_198506.5(LRIT3):c.1273A>C (p.Thr425Pro)

Gene: LRIT3 (leucine rich repeat, Ig-like and transmembrane domains 3; plus strand). Cytogenetic location: 4q25.
Variant type: single nucleotide variant.
Coding change: c.1273A>C on transcript NM_198506.5 (MANE Select); coding-DNA position 1273, A replaced by C.
Protein change: p.Thr425Pro; replaces threonine 425 with proline.
Molecular consequence: missense variant.
Genome position (GRCh38, 1-based): chr4:109,870,022, A>C. VCF-style: chr4-109870022-A-C. GRCh37 (hg19) VCF-style: chr4-110791178-A-C.
Other names: c.1138A>C (NM_198506.2); short protein forms T425P.
Identifiers: ClinVar variation 860342 (VCV000860342.9), dbSNP rs138218384, ClinGen allele CA3043161.